The following is an entry in ClinVar:

NM_000548.5(TSC2):c.1991C>T (p.Ser664Phe)

Gene: TSC2 (TSC complex subunit 2; plus strand). Cytogenetic location: 16p13.3.
Variant type: single nucleotide variant.
Coding change: c.1991C>T on transcript NM_000548.5 (MANE Select); coding-DNA position 1991, C replaced by T.
Protein change: p.Ser664Phe; replaces serine 664 with phenylalanine.
Molecular consequence: missense variant.
Genome position (GRCh38, 1-based): chr16:2,071,828, C>T. VCF-style: chr16-2071828-C-T. GRCh37 (hg19) VCF-style: chr16-2121829-C-T.
Other names: c.1991C>T, p.Ser664Phe (NM_001077183.3, NM_001114382.3, NM_001363528.2 and 3 more transcripts); c.1880C>T, p.Ser627Phe (NM_001318827.2); c.1844C>T, p.Ser615Phe (NM_001318829.2); c.1391C>T, p.Ser464Phe (NM_001318831.2); c.2024C>T, p.Ser675Phe (NM_001318832.2); short protein forms S615F, S664F, S627F, S675F, S464F.
Identifiers: ClinVar variation 647861 (VCV000647861.17), dbSNP rs991714565, ClinGen allele CA394274410.
Genomic context (GRCh38, chr16:2,071,828, plus strand): 5'-TCTCTTGCTTCTGCAGGGAGCCAGAGAGAGGCTCTGAGAAGAAGACCAGCGGCCCCCTTT[C>T]TCCTCCCACAGGGCCTCCTGGCCCGGCGCCTGCAGGCCCCGCCGTGCGGCTGGGGTCCGT-3'
Protein context (NP_000539.2, residues 654-674): GSEKKTSGPL[Ser664Phe]PPTGPPGPAP

ClinVar aggregate classification (germline): Conflicting classifications of pathogenicity. Review status: criteria provided, conflicting classifications (1 of 4 stars). 4 submissions from 4 submitters: Uncertain significance (3); Benign (1). Last evaluated 2025-12-18.

Conditions:
Tuberous sclerosis 2 (TSC2). Identifiers: Orphanet 805, MedGen C1860707, MONDO:0013199, OMIM 613254.
Hereditary cancer-predisposing syndrome. Also called: Hereditary Cancer Syndrome; Tumor predisposition; Neoplastic Syndromes, Hereditary; Hereditary neoplastic syndrome. Identifiers: Orphanet 140162, MedGen C0027672, MeSH D009386, MONDO:0015356.

Allele frequency attached by ClinVar (database versions not stated): gnomAD exomes below 0.00001; TOPMed below 0.00001; gnomAD 0.00003.

Submissions (4):

Labcorp Genetics (formerly Invitae), Labcorp
Classification: Benign for Tuberous sclerosis 2. Last evaluated: 2025-12-18. Review status: criteria provided, single submitter. Criteria: Invitae Variant Classification Sherloc (09022015). Collection method: clinical testing. Allele origin: germline.

Ambry Genetics
Classification: Uncertain significance for Hereditary cancer-predisposing syndrome. Last evaluated: 2024-06-06. Review status: criteria provided, single submitter. Criteria: Ambry Variant Classification Scheme 2023. Collection method: clinical testing. Allele origin: germline.
Comment: The p.S664F variant (also known as c.1991C>T), located in coding exon 18 of the TSC2 gene, results from a C to T substitution at nucleotide position 1991. The serine at codon 664 is replaced by phenylalanine, an amino acid with highly dissimilar properties. This amino acid position is highly conserved in available vertebrate species. In addition, this alteration is predicted to be deleterious by in silico analysis. Based on the available evidence, the clinical significance of this variant remains unclear.

GeneDx
Classification: Uncertain significance. Last evaluated: 2023-12-08. Review status: criteria provided, single submitter. Criteria: GeneDx Variant Classification Process June 2021. Collection method: clinical testing. Allele origin: germline. Affected: yes.
Comment: In silico analysis supports that this missense variant has a deleterious effect on protein structure/function; Has not been previously published as pathogenic or benign to our knowledge

Genome-Nilou Lab
Classification: Uncertain significance for Tuberous sclerosis 2. Last evaluated: 2021-11-07. Review status: criteria provided, single submitter. Criteria: ACMG Guidelines, 2015. Collection method: clinical testing. Allele origin: germline. Affected: no.